The following is an entry in ClinVar:

NM_080425.4(GNAS):c.1844C>T (p.Ala615Val)

Gene: GNAS (GNAS complex locus; plus strand). Cytogenetic location: 20q13.32.
Variant type: single nucleotide variant.
Coding change: c.1844C>T on transcript NM_080425.4 (MANE Plus Clinical); coding-DNA position 1844, C replaced by T.
Protein change: p.Ala615Val; replaces alanine 615 with valine.
Molecular consequence: missense variant. On other transcripts: intron variant (3).
Genome position (GRCh38, 1-based): chr20:58,855,109, C>T. VCF-style: chr20-58855109-C-T. GRCh37 (hg19) VCF-style: chr20-57430164-C-T.
Other names: c.1657C>T, p.Pro553Ser (NM_001077490.3, NM_001309883.1); c.1844C>T, p.Ala615Val (NM_001410913.1); c.*42+14223C>T (NM_016592.5); c.43+14223C>T (NM_001410912.1); c.-39+13234C>T (NM_001309861.2); short protein forms P553S, A615V.
Identifiers: ClinVar variation 5001635 (VCV005001635.1).
Genomic context (GRCh38, chr20:58,855,109, plus strand): 5'-GGCGAAATCGCCGCCGCCGAAAGCCCCAGCGCAACTTACTCCGCAACTTTCTCGTGCAAG[C>T]CTTCGGGGGCTGCTTCGGTCGATCTGAGAGTCCCCAGCCCAAAGCCTCGCGCTCTCTCAA-3'
Protein context (NP_536350.2, residues 605-625): RNLLRNFLVQ[Ala615Val]FGGCFGRSES

ClinVar aggregate classification (germline): Uncertain significance (1 of 4 stars; one submission).

Conditions:
GNAS-related disorder. Identifiers: MedGen CN380105.

gnomAD v4.1: 7 of 1,613,572 alleles (0.00043%); highest among the groups gnomAD compares: Non-Finnish European, 0.00059%; no homozygotes.

Submission:

PreventionGenetics, part of Exact Sciences
Classification: Uncertain significance for GNAS-related condition. Last evaluated: 2026-08-05. Review status: criteria provided, single submitter. Criteria: ACMG Guidelines, 2015. Collection method: clinical testing. Allele origin: germline.
Comment: The GNAS c.1844C>T variant is predicted to result in the amino acid substitution p.Ala615Val. To our knowledge, this variant has not been reported in the literature. This variant is reported in 0.00089% of alleles in individuals of European (Non-Finnish) descent in gnomAD. At this time, the clinical significance of this variant is uncertain due to the absence of conclusive functional and genetic evidence.